The following is an entry in ClinVar:

NM_000218.3(KCNQ1):c.1393+27732C>T

Genes: KCNQ1 (potassium voltage-gated channel subfamily Q member 1; plus strand), KCNQ1OT1 (KCNQ1 opposite strand/antisense transcript 1; minus strand). Cytogenetic location: 11p15.5.
Variant type: single nucleotide variant.
Coding change: c.1393+27732C>T on transcript NM_000218.3 (MANE Select); 27732 bases into the intron after coding-DNA position 1393, C replaced by T.
Molecular consequence: intron variant. On other transcripts: non-coding transcript variant (1).
Genome position (GRCh38, 1-based): chr11:2,616,586, C>T. VCF-style: chr11-2616586-C-T. GRCh37 (hg19) VCF-style: chr11-2637816-C-T.
Other names: c.1123+27732C>T (NM_001406837.1); c.1297+27732C>T (NM_001406836.1); c.853+27732C>T (NM_001406838.1); c.1012+27732C>T (NM_181798.2).
Identifiers: ClinVar variation 2641374 (VCV002641374.24), dbSNP rs139645350, ClinGen allele CA216360125.
Genomic context (GRCh38, chr11:2,616,586, plus strand): 5'-CTATAATTTTTCCTCTGAGCACTTCTTTCACTACATCCCATAAGTCTGAGTATGTTGTGT[C>T]GTCATTTTCACTTTTTGAAAGTATTTTATAATTTCCCTTCTGATGTCTTCTTTGACACAA-3'

ClinVar aggregate classification (germline): Benign (1 of 4 stars; one submission).

Allele frequency attached by ClinVar (database versions not stated): 1000 Genomes Project 0.00200; 1000 Genomes Project 30x 0.00219; gnomAD 0.00244; TOPMed 0.00261.
gnomAD v4.1: 458 of 397,982 alleles (0.12%); highest among the groups gnomAD compares: African/African-American, 0.81%; 2 homozygotes.

Submission:

CeGaT Center for Human Genetics Tuebingen
Classification: Benign. Last evaluated: 2025-11-01. Review status: criteria provided, single submitter. Criteria: CeGaT Center For Human Genetics Tuebingen Variant Classification Criteria Version 2. Collection method: clinical testing. Allele origin: germline. Affected: yes. Observed: 6 variant alleles.
Comment: KCNQ1OT1: BS1, BS2